The following is an entry in ClinVar:

NM_000053.4(ATP7B):c.4125-9G>A

Gene: ATP7B (ATPase copper transporting beta; minus strand). Cytogenetic location: 13q14.3.
Variant type: single nucleotide variant.
Coding change: c.4125-9G>A on transcript NM_000053.4 (MANE Select); 9 bases into the intron before coding-DNA position 4125, G replaced by A.
Molecular consequence: intron variant.
Genome position (GRCh38, 1-based): chr13:51,935,038, C>T on the plus strand (G>A on the coding strand, the complement: ATP7B is on the minus strand). VCF-style: chr13-51935038-C-T. GRCh37 (hg19) VCF-style: chr13-52509174-C-T.
Other names: c.3792-9G>A (NM_001243182.2); c.3504-9G>A (NM_001005918.3); c.3873-9G>A (NM_001330579.2); c.3891-9G>A (NM_001330578.2).
Identifiers: ClinVar variation 1551701 (VCV001551701.9), dbSNP rs2138417975, ClinGen allele CA2554795574.

ClinVar aggregate classification (germline): Likely benign. Review status: criteria provided, multiple submitters, no conflicts (2 of 4 stars). 2 submissions from 2 submitters: Likely benign (2). Last evaluated 2025-01-14.

Conditions:
Wilson disease (WND). Also called: Wilson's disease. Identifiers: Orphanet 905, MedGen C0019202, MONDO:0010200, OMIM 277900. Disease mechanism: loss of function.

Allele frequency attached by ClinVar (database versions not stated): gnomAD exomes below 0.00001.
gnomAD v4.1: 2 of 1,613,722 alleles (0.00012%); highest among the groups gnomAD compares: Non-Finnish European, 0.00017%; no homozygotes.

Submissions (2):

Labcorp Genetics (formerly Invitae), Labcorp
Classification: Likely benign for Wilson disease. Last evaluated: 2025-01-14. Review status: criteria provided, single submitter. Criteria: Invitae Variant Classification Sherloc (09022015). Collection method: clinical testing. Allele origin: germline.

All of Us Research Program, National Institutes of Health
Classification: Likely benign for Wilson disease. Last evaluated: 2023-12-13. Review status: criteria provided, single submitter. Criteria: ACMG Guidelines, 2015. Collection method: clinical testing. Allele origin: germline. Inheritance: Autosomal recessive inheritance. Observed: 1 variant allele, 1 heterozygote.
Comment: This study involves interpretation of variants in research participants for the purpose of population health screening. Participant phenotype was not available at the time of variant classification. Additional details can be found in publication PMID: 35346344, PMCID: PMC8962531